The following is an entry in ClinVar:

ClinVar aggregate classification (germline): Likely benign (1 of 4 stars; one submission).

Submission:

CeGaT Center for Human Genetics Tuebingen
Classification: Likely benign. Last evaluated: 2025-11-01. Review status: criteria provided, single submitter. Criteria: CeGaT Center For Human Genetics Tuebingen Variant Classification Criteria Version 2. Collection method: clinical testing. Allele origin: germline. Affected: yes. Observed: 1 variant allele.
Comment: SLC32A1: BP4, BP7

NM_080552.3(SLC32A1):c.1536C>T (p.Leu512=)

Gene: SLC32A1 (solute carrier family 32 member 1; plus strand). Cytogenetic location: 20q11.23.
Variant type: single nucleotide variant.
Coding change: c.1536C>T on transcript NM_080552.3 (MANE Select); coding-DNA position 1536, C replaced by T.
Protein change: p.Leu512=; no amino-acid change (leucine 512 retained).
Molecular consequence: synonymous variant.
Genome position (GRCh38, 1-based): chr20:38,728,597, C>T. VCF-style: chr20-38728597-C-T. GRCh37 (hg19) VCF-style: chr20-37357240-C-T.
Identifiers: ClinVar variation 4534057 (VCV004534057.6).